The following is an entry in ClinVar:

ClinVar aggregate classification (germline): Uncertain significance (1 of 4 stars; one submission).

gnomAD v4.1: 3 of 1,205,921 alleles (0.00025%); highest among the groups gnomAD compares: African/African-American, 0.0052%; no homozygotes.

Submission:

GeneDx
Classification: Uncertain significance. Last evaluated: 2024-05-12. Review status: criteria provided, single submitter. Criteria: GeneDx Variant Classification Process June 2021. Collection method: clinical testing. Allele origin: germline. Affected: yes.
Comment: In silico analysis supports that this missense variant has a deleterious effect on protein structure/function; Has not been previously published as pathogenic or benign to our knowledge

NM_001257291.2(SLC9A7):c.1772C>T (p.Thr591Ile)

Gene: SLC9A7 (solute carrier family 9 member A7; minus strand). Cytogenetic location: Xp11.3.
Variant type: single nucleotide variant.
Coding change: c.1772C>T on transcript NM_001257291.2 (MANE Select); coding-DNA position 1772, C replaced by T.
Protein change: p.Thr591Ile; replaces threonine 591 with isoleucine.
Molecular consequence: missense variant.
Genome position (GRCh38, 1-based): chrX:46,621,028, G>A on the plus strand (C>T on the coding strand, the complement: SLC9A7 is on the minus strand). VCF-style: chrX-46621028-G-A. GRCh37 (hg19) VCF-style: chrX-46480463-G-A.
Other names: c.1769C>T, p.Thr590Ile (NM_032591.3); short protein forms T590I, T591I.
Identifiers: ClinVar variation 3378353 (VCV003378353.1).